The following is an entry in ClinVar:

ClinVar aggregate classification (germline): Uncertain significance (1 of 4 stars; one submission).

Conditions:
Werner syndrome (WRN). Identifiers: Orphanet 902, MedGen C0043119, MONDO:0010196, OMIM 277700.

gnomAD v4.1: 1 of 1,613,340 alleles (0.000062%); highest among the groups gnomAD compares: African/African-American, 0.0013%; no homozygotes.

Submission:

Labcorp Genetics (formerly Invitae), Labcorp
Classification: Uncertain significance for Werner syndrome. Last evaluated: 2024-10-29. Review status: criteria provided, single submitter. Criteria: Invitae Variant Classification Sherloc (09022015). Collection method: clinical testing. Allele origin: germline.
Comment: This sequence change replaces aspartic acid, which is acidic and polar, with histidine, which is basic and polar, at codon 163 of the WRN protein (p.Asp163His). This variant is not present in population databases (gnomAD no frequency). This variant has not been reported in the literature in individuals affected with WRN-related conditions. ClinVar contains an entry for this variant (Variation ID: 956422). An algorithm developed to predict the effect of missense changes on protein structure and function (PolyPhen-2) suggests that this variant is likely to be disruptive. In summary, the available evidence is currently insufficient to determine the role of this variant in disease. Therefore, it has been classified as a Variant of Uncertain Significance.

NM_000553.6(WRN):c.487G>C (p.Asp163His)

Gene: WRN (WRN RecQ like helicase; plus strand). Cytogenetic location: 8p12.
Variant type: single nucleotide variant.
Coding change: c.487G>C on transcript NM_000553.6 (MANE Select); coding-DNA position 487, G replaced by C.
Protein change: p.Asp163His; replaces aspartic acid 163 with histidine.
Molecular consequence: missense variant.
Genome position (GRCh38, 1-based): chr8:31,065,046, G>C. VCF-style: chr8-31065046-G-C. GRCh37 (hg19) VCF-style: chr8-30922562-G-C.
Other names: short protein forms D163H.
Identifiers: ClinVar variation 956422 (VCV000956422.6), dbSNP rs368717487, ClinGen allele CA370915040.